The following is an entry in ClinVar:

ClinVar aggregate classification (germline): Uncertain significance (1 of 4 stars; one submission).

Conditions:
CFI-related disorder. Also called: CFI-related condition; CFI-related disorders. Identifiers: MedGen CN239325.

Submission:

Genomenon, Inc
Classification: Uncertain significance for CFI-related disorder. Last evaluated: 2025-09-26. Review status: criteria provided, single submitter. Criteria: Genomenon Sequence Variant Interpretation Standards - Updated. Collection method: curation. Allele origin: germline. Affected: no.
Comment: CFI p.Ile55Thr (c.164T>C) is a missense variant that changes the amino acid at residue 55 from Isoleucine to Threonine. To our knowledge, this variant has not been reported in patients affected with CFI-related disorders in the published literature. Functional studies have been reported; however, the significance of the findings remain unclear (PMID:22393059). It is absent or not present at a significant frequency in gnomAD. In conclusion, we classify CFI p.Ile55Thr (c.164T>C) as a variant of unknown significance.

Literature cited by the submitters: PubMed 22393059.

NM_000204.5(CFI):c.164T>C (p.Ile55Thr)

Gene: CFI (complement factor I; minus strand). Cytogenetic location: 4q25.
Variant type: single nucleotide variant.
Coding change: c.164T>C on transcript NM_000204.5 (MANE Select); coding-DNA position 164, T replaced by C.
Protein change: p.Ile55Thr; replaces isoleucine 55 with threonine.
Molecular consequence: missense variant. On other transcripts: non-coding transcript variant (3), intron variant (1).
Genome position (GRCh38, 1-based): chr4:109,766,718, A>G on the plus strand (T>C on the coding strand, the complement: CFI is on the minus strand). VCF-style: chr4-109766718-A-G. GRCh37 (hg19) VCF-style: chr4-110687874-A-G.
Other names: c.164T>C, p.Ile55Thr (NM_001318057.2, NM_001331035.2, NM_001375278.1 and 10 more transcripts); c.-127-5026T>C (NM_001375284.1); short protein forms I55T.
Identifiers: ClinVar variation 4280498 (VCV004280498.1).
Genomic context (GRCh38, chr4:109,766,718, plus strand): 5'-CACACTGCAGTGCCATTCTTTGGGCACTGATACGGTAGTTTACAAACACAGGTGCCCTCA[A>G]TGCATCTCTGCCATGGCTGGCAGAAGACTTTATCGCAGGAGAGGTGAGTATATTTTTTTG-3'
Protein context (NP_000195.3, residues 45-65): KVFCQPWQRC[Ile55Thr]EGTCVCKLPY